The following is an entry in ClinVar:

ClinVar aggregate classification (germline): Conflicting classifications of pathogenicity. Review status: criteria provided, conflicting classifications (1 of 4 stars). 2 submissions from 2 submitters: Uncertain significance (1); Likely benign (1). Last evaluated 2024-06-10.

Conditions:
FRAXE. Also called: Intellectual developmental disorder, X-linked 109; Intellectual disability, X-linked, FRAXE type; Fragile XE syndrome; FRAXE Syndrome; FRAXE intellectual disability. Identifiers: Orphanet 100973, MedGen C0751157, MONDO:0010659, OMIM 309548. Disease mechanism: loss of function.

Allele frequency attached by ClinVar (database versions not stated): TOPMed 0.00002; ExAC 0.00003; gnomAD 0.00003 and 0.00004; ESP Exome Variant Server 0.00019; 1000 Genomes Project 30x 0.00021; 1000 Genomes Project 0.00026.
gnomAD v4.1: 34 of 1,200,839 alleles (0.0028%); highest among the groups gnomAD compares: Admixed American, 0.024%; no homozygotes.

Submissions (2):

GeneDx
Classification: Likely benign. Last evaluated: 2024-06-10. Review status: criteria provided, single submitter. Criteria: GeneDx Variant Classification Process June 2021. Collection method: clinical testing. Allele origin: germline. Affected: yes.
Comment: See Variant Classification Assertion Criteria.

Institute of Human Genetics, University of Leipzig Medical Center
Classification: Uncertain significance for FRAXE. Last evaluated: 2019-10-29. Review status: criteria provided, single submitter. Criteria: ACMG Guidelines, 2015. Collection method: clinical testing. Allele origin: germline. Affected: yes.

NM_002025.4(AFF2):c.3267+5G>A

Gene: AFF2 (ALF transcription elongation factor 2; plus strand). Cytogenetic location: Xq28.
Variant type: single nucleotide variant.
Coding change: c.3267+5G>A on transcript NM_002025.4 (MANE Select); 5 bases into the intron after coding-DNA position 3267, G replaced by A.
Molecular consequence: intron variant.
Genome position (GRCh38, 1-based): chrX:148,967,697, G>A. VCF-style: chrX-148967697-G-A. GRCh37 (hg19) VCF-style: chrX-148049227-G-A.
Other names: c.3162+5G>A (NM_001169124.2, NM_001169122.2); c.3237+5G>A (NM_001169123.2); c.3150+5G>A (NM_001169125.2); c.2190+5G>A (NM_001170628.1).
Identifiers: ClinVar variation 431909 (VCV000431909.7), dbSNP rs374064624, ClinGen allele CA10537282.